The following is an entry in ClinVar:

NM_032898.5(CEP19):c.98T>C (p.Ile33Thr)

Gene: CEP19 (centrosomal protein 19; minus strand). Cytogenetic location: 3q29.
Variant type: single nucleotide variant.
Coding change: c.98T>C on transcript NM_032898.5 (MANE Select); coding-DNA position 98, T replaced by C.
Protein change: p.Ile33Thr; replaces isoleucine 33 with threonine.
Molecular consequence: missense variant. On other transcripts: intron variant (1).
Genome position (GRCh38, 1-based): chr3:196,708,560, A>G on the plus strand (T>C on the coding strand, the complement: CEP19 is on the minus strand). VCF-style: chr3-196708560-A-G. GRCh37 (hg19) VCF-style: chr3-196435431-A-G.
Other names: c.98T>C, p.Ile33Thr (NM_001379469.1, NM_001379470.1); c.26-648T>C (NM_001379468.1); short protein forms I33T.
Identifiers: ClinVar variation 1058682 (VCV001058682.3), dbSNP rs191619856, ClinGen allele CA2782164.

ClinVar aggregate classification (germline): Uncertain significance (1 of 4 stars; one submission).

Allele frequency attached by ClinVar (database versions not stated): gnomAD exomes 0.00003 and 0.00010; gnomAD 0.00004 and 0.00005; TOPMed 0.00009; ExAC 0.00010; 1000 Genomes Project 0.00040; 1000 Genomes Project 30x 0.00047.

Submission:

Labcorp Genetics (formerly Invitae), Labcorp
Classification: Uncertain significance. Last evaluated: 2024-12-16. Review status: criteria provided, single submitter. Criteria: Invitae Variant Classification Sherloc (09022015). Collection method: clinical testing. Allele origin: germline.
Comment: This sequence change replaces isoleucine, which is neutral and non-polar, with threonine, which is neutral and polar, at codon 37 of the CEP19 protein (p.Ile37Thr). This variant is present in population databases (rs191619856, gnomAD 0.1%). This variant has not been reported in the literature in individuals affected with CEP19-related conditions. ClinVar contains an entry for this variant (Variation ID: 1058682). An algorithm developed to predict the effect of missense changes on protein structure and function (PolyPhen-2) suggests that this variant is likely to be disruptive. In summary, the available evidence is currently insufficient to determine the role of this variant in disease. Therefore, it has been classified as a Variant of Uncertain Significance.